The following is an entry in ClinVar:

ClinVar aggregate classification (germline): Uncertain significance. Review status: criteria provided, multiple submitters, no conflicts (2 of 4 stars). 2 submissions from 2 submitters: Uncertain significance (2). Last evaluated 2025-06-10.

Allele frequency attached by ClinVar (database versions not stated): ESP Exome Variant Server 0.00008; gnomAD exomes 0.00003; gnomAD 0.00007; TOPMed 0.00011; ExAC 0.00003.
gnomAD v4.1: 60 of 1,613,708 alleles (0.0037%); highest among the groups gnomAD compares: African/African-American, 0.011%; no homozygotes.

Submissions (2):

Labcorp Genetics (formerly Invitae), Labcorp
Classification: Uncertain significance. Last evaluated: 2025-06-10. Review status: criteria provided, single submitter. Criteria: Invitae Variant Classification Sherloc (09022015). Collection method: clinical testing. Allele origin: germline.
Comment: This sequence change replaces proline, which is neutral and non-polar, with leucine, which is neutral and non-polar, at codon 270 of the SYNPO protein (p.Pro270Leu). This variant is present in population databases (rs142043265, gnomAD 0.02%). This variant has not been reported in the literature in individuals affected with SYNPO-related conditions. ClinVar contains an entry for this variant (Variation ID: 2862353). An algorithm developed to predict the effect of missense changes on protein structure and function outputs the following: PolyPhen-2: "Benign". The leucine amino acid residue is found in multiple mammalian species, which suggests that this missense change does not adversely affect protein function. In summary, the available evidence is currently insufficient to determine the role of this variant in disease. Therefore, it has been classified as a Variant of Uncertain Significance.

Ambry Genetics
Classification: Uncertain significance. Last evaluated: 2024-08-10. Review status: criteria provided, single submitter. Criteria: Ambry Variant Classification Scheme 2023. Collection method: clinical testing. Allele origin: germline.

NM_007286.6(SYNPO):c.809C>T (p.Pro270Leu)

Gene: SYNPO (synaptopodin; plus strand). Cytogenetic location: 5q33.1.
Variant type: single nucleotide variant.
Coding change: c.809C>T on transcript NM_007286.6 (MANE Select); coding-DNA position 809, C replaced by T.
Protein change: p.Pro270Leu; replaces proline 270 with leucine.
Molecular consequence: missense variant.
Genome position (GRCh38, 1-based): chr5:150,649,084, C>T. VCF-style: chr5-150649084-C-T. GRCh37 (hg19) VCF-style: chr5-150028646-C-T.
Other names: c.1541C>T (NM_001166208.1); c.809C>T, p.Pro270Leu (NM_001109974.3); c.1541C>T, p.Pro514Leu (NM_001166208.2, NM_001166209.2); short protein forms P270L, P514L.
Identifiers: ClinVar variation 2862353 (VCV002862353.4), dbSNP rs142043265, ClinGen allele CA3513289.